The following is an entry in ClinVar:

NM_198253.3(TERT):c.632G>A (p.Gly211Glu)

Gene: TERT (telomerase reverse transcriptase; minus strand). Cytogenetic location: 5p15.33.
Variant type: single nucleotide variant.
Coding change: c.632G>A on transcript NM_198253.3 (MANE Select); coding-DNA position 632, G replaced by A.
Protein change: p.Gly211Glu; replaces glycine 211 with glutamic acid.
Molecular consequence: missense variant. On other transcripts: non-coding transcript variant (2).
Genome position (GRCh38, 1-based): chr5:1,294,254, C>T on the plus strand (G>A on the coding strand, the complement: TERT is on the minus strand). VCF-style: chr5-1294254-C-T. GRCh37 (hg19) VCF-style: chr5-1294369-C-T.
Other names: c.632G>A, p.Gly211Glu (NM_001193376.3); short protein forms G211E.
Identifiers: ClinVar variation 5030643 (VCV005030643.1).
Genomic context (GRCh38, chr5:1,294,254, plus strand): 5'-CTTCGGCTGGCACTGCCCCCGCGCCTCCTCGCACCCGGGGCTGGCAGGCCCAGGGGGACC[C>T]CGGCCTCCCTGACGCTATGGTTCCAGGCCCGTTCGCATCCCAGACGCCTTCGGGGTCCAC-3'
Protein context (NP_937983.2, residues 201-221): RAWNHSVREA[Gly211Glu]VPLGLPAPGA

ClinVar aggregate classification (germline): Uncertain significance (1 of 4 stars; one submission).

Conditions:
Dyskeratosis congenita. Identifiers: Orphanet 1775, MedGen C0265965, MONDO:0015780.

Submission:

Ambry Genetics
Classification: Uncertain significance for Dyskeratosis congenita. Last evaluated: 2026-07-04. Review status: criteria provided, single submitter. Criteria: Ambry Variant Classification Scheme 2023. Collection method: clinical testing. Allele origin: germline.
Comment: The p.G211E variant (also known as c.632G>A), located in coding exon 2 of the TERT gene, results from a G to A substitution at nucleotide position 632. The glycine at codon 211 is replaced by glutamic acid, an amino acid with similar properties. This amino acid position is conserved. In addition, this alteration is predicted to be tolerated by in silico analysis. Based on the available evidence, the clinical significance of this variant remains unclear.